The following is an entry in ClinVar:

NM_033395.2(CEP295):c.2082C>T (p.Arg694=)

Gene: CEP295 (centrosomal protein 295; plus strand). Cytogenetic location: 11q21.
Variant type: single nucleotide variant.
Coding change: c.2082C>T on transcript NM_033395.2 (MANE Select); coding-DNA position 2082, C replaced by T.
Protein change: p.Arg694=; no amino-acid change (arginine 694 retained).
Molecular consequence: synonymous variant.
Genome position (GRCh38, 1-based): chr11:93,696,994, C>T. VCF-style: chr11-93696994-C-T. GRCh37 (hg19) VCF-style: chr11-93430160-C-T.
Identifiers: ClinVar variation 4681452 (VCV004681452.5).
Genomic context (GRCh38, chr11:93,696,994, plus strand): 5'-TCAGGTAGCGAGACAAAATCACTTTCCACAAAGACAGGTGGAAACAACAGAAACATTACG[C>T]GCTTCAGATATTTTAACCAATCAAGCTTTAGAATCACAAGAACATCTAAGGCAATTCTCT-3'
Protein context (NP_203753.1, residues 684-704): QRQVETTETL[Arg694=]ASDILTNQAL

ClinVar aggregate classification (germline): Likely benign (1 of 4 stars; one submission).

gnomAD v4.1: 188 of 1,551,414 alleles (0.012%); highest among the groups gnomAD compares: South Asian, 0.077%; no homozygotes.

Submission:

CeGaT Center for Human Genetics Tuebingen
Classification: Likely benign. Last evaluated: 2025-11-01. Review status: criteria provided, single submitter. Criteria: CeGaT Center For Human Genetics Tuebingen Variant Classification Criteria Version 2. Collection method: clinical testing. Allele origin: germline. Affected: yes. Observed: 1 variant allele.
Comment: CEP295: BP4, BP7